The following is an entry in ClinVar:

ClinVar aggregate classification (germline): Likely pathogenic (0 of 4 stars; one submission).

Conditions:
HYAL2 Deficiency. Identifiers: MedGen CN381107.

Submission:

New Leaf Center
Classification: Likely pathogenic for HYAL2 deficiency. Last evaluated: 2021-12-14. Review status: no assertion criteria provided. Collection method: research. Allele origin: germline. Inheritance: Autosomal recessive inheritance. Affected: yes. Observed: 1 variant allele.
Comment: From Fasham et al 2021: Functional assays demonstrating a variant has abnormal protein function Absent from gnomAD databases In trans with p.(His424Leufs*12) In silico missense prediction tools support a deleterious effect on the gene or gene product A strong consensus supporting a clinical diagnosis with a specific phenotype

Literature cited by the submitters: DOI 10.1016/j.gim.2021.10.014.

NM_003773.5(HYAL2):c.611G>C (p.Gly204Ala)

Gene: HYAL2 (hyaluronidase 2; minus strand). Cytogenetic location: 3p21.31.
Variant type: single nucleotide variant.
Coding change: c.611G>C on transcript NM_003773.5 (MANE Select); coding-DNA position 611, G replaced by C.
Protein change: p.Gly204Ala; replaces glycine 204 with alanine.
Molecular consequence: missense variant.
Genome position (GRCh38, 1-based): chr3:50,319,879, C>G on the plus strand (G>C on the coding strand, the complement: HYAL2 is on the minus strand). VCF-style: chr3-50319879-C-G. GRCh37 (hg19) VCF-style: chr3-50357310-C-G.
Other names: c.611G>C, p.Gly204Ala (NM_033158.5); short protein forms G204A.
Identifiers: ClinVar variation 1065390 (VCV001065390.3), dbSNP rs2109324707, ClinGen allele CA352910177.
Genomic context (GRCh38, chr3:50,319,879, plus strand): 5'-GTGTAGCTCTCCCAGTTCTGCACATAATCATGATTGTAGCAGTCAGGAAAGAGGTAGAAG[C>G]CCCAGAGGTGCCGGGGCCGCACTGCCTTGACATAACGCAGTGTCTCCAGCATGAACTGCT-3'
Protein context (NP_003764.3, residues 194-214): VKAVRPRHLW[Gly204Ala]FYLFPDCYNH